The following is an entry in ClinVar:

NM_001374259.2(IL12RB2):c.867A>T (p.Glu289Asp)

Gene: IL12RB2 (interleukin 12 receptor subunit beta 2; plus strand). Cytogenetic location: 1p31.3.
Variant type: single nucleotide variant.
Coding change: c.867A>T on transcript NM_001374259.2 (MANE Select); coding-DNA position 867, A replaced by T.
Protein change: p.Glu289Asp; replaces glutamic acid 289 with aspartic acid.
Molecular consequence: missense variant. On other transcripts: non-coding transcript variant (2).
Genome position (GRCh38, 1-based): chr1:67,330,719, A>T. VCF-style: chr1-67330719-A-T. GRCh37 (hg19) VCF-style: chr1-67796402-A-T.
Other names: c.867A>T, p.Glu289Asp (NM_001258214.1, NM_001258215.1, NM_001258216.1 and 2 more transcripts); short protein forms E289D.
Identifiers: ClinVar variation 3663295 (VCV003663295.2).

ClinVar aggregate classification (germline): Uncertain significance (1 of 4 stars; one submission).

Submission:

Labcorp Genetics (formerly Invitae), Labcorp
Classification: Uncertain significance. Last evaluated: 2025-02-10. Review status: criteria provided, single submitter. Criteria: Invitae Variant Classification Sherloc (09022015). Collection method: clinical testing. Allele origin: germline.
Comment: This sequence change replaces glutamic acid, which is acidic and polar, with aspartic acid, which is acidic and polar, at codon 289 of the IL12RB2 protein (p.Glu289Asp). This variant is not present in population databases (gnomAD no frequency). This variant has not been reported in the literature in individuals affected with IL12RB2-related conditions. An algorithm developed to predict the effect of missense changes on protein structure and function outputs the following: PolyPhen-2: "Benign". The aspartic acid amino acid residue is found in multiple mammalian species, which suggests that this missense change does not adversely affect protein function. In summary, the available evidence is currently insufficient to determine the role of this variant in disease. Therefore, it has been classified as a Variant of Uncertain Significance.